The following is an entry in ClinVar:

ClinVar aggregate classification (germline): Conflicting classifications of pathogenicity. Review status: criteria provided, conflicting classifications (1 of 4 stars). 6 submissions from 6 submitters: Uncertain significance (1); Benign (2); Likely benign (1). 2 of the submissions do not count toward it. Last evaluated 2026-01-26.

Conditions:
Deficiency of beta-ureidopropionase (UPB1D). Also called: Beta-ureidopropionase deficiency. Identifiers: Orphanet 65287, MedGen C1291512, MONDO:0013164, OMIM 613161.

Allele frequency attached by ClinVar (database versions not stated): gnomAD 0.00401; 1000 Genomes Project 0.00499; 1000 Genomes Project 30x 0.00547; TOPMed 0.00551.
gnomAD v4.1: 1,363 of 1,614,192 alleles (0.084%); highest among the groups gnomAD compares: African/African-American, 1.4%; 10 homozygotes.

Submissions (6):

Labcorp Genetics (formerly Invitae), Labcorp
Classification: Benign. Last evaluated: 2026-01-26. Review status: criteria provided, single submitter. Criteria: Invitae Variant Classification Sherloc (09022015). Collection method: clinical testing. Allele origin: germline.

CeGaT Center for Human Genetics Tuebingen
Classification: Benign. Last evaluated: 2023-04-01. Review status: criteria provided, single submitter. Criteria: CeGaT Center For Human Genetics Tuebingen Variant Classification Criteria Version 2. Collection method: clinical testing. Allele origin: germline. Affected: yes. Observed: 1 variant allele.
Comment: UPB1: BP4, BS1, BS2

Illumina Laboratory Services, Illumina
Classification: Uncertain significance for Deficiency of beta-ureidopropionase. Last evaluated: 2017-04-28. Review status: criteria provided, single submitter. Criteria: ICSL Variant Classification Criteria 13 December 2019. Collection method: clinical testing. Allele origin: germline.
Comment: This variant was observed as part of a predisposition screen in an ostensibly healthy population. A literature search was performed for the gene, cDNA change, and amino acid change (where applicable). Publications were found based on this search. However, the evidence from the literature, in combination with allele frequency data from public databases where available, was not sufficient to rule this variant in or out of causing disease. Therefore, this variant is classified as a variant of unknown significance.

Laboratory for Molecular Medicine, Mass General Brigham Personalized Medicine
Classification: Likely benign. Last evaluated: 2016-06-02. Review status: criteria provided, single submitter. Criteria: LMM Criteria. Collection method: clinical testing. Allele origin: germline.
Comment: Variant identified in a genome or exome case(s) and assessed due to predicted null impact of the variant or pathogenic assertions in the literature or databases. Disclaimer: This variant has not undergone full assessment. The following are preliminary notes: 1.5% in african population, also present in other populations in ExAC

OMIM
Classification: Pathogenic for BETA-UREIDOPROPIONASE DEFICIENCY. Last evaluated: 2004-11-15. Review status: no assertion criteria provided. Collection method: literature only. Allele origin: germline. Not counted in ClinVar's aggregate classification.

Diasio Lab,  Mayo Clinic
No classification provided. Review status: no classification provided. Collection method: not provided. Allele origin: unknown. Not counted in ClinVar's aggregate classification.

Literature cited by the submitters: PubMed 17964839 (cited by Illumina Laboratory Services, Illumina); PubMed 24526388 (cited by Illumina Laboratory Services, Illumina); PubMed 24123366 (cited by Illumina Laboratory Services, Illumina); PubMed 15385443 (cited by Illumina Laboratory Services, Illumina and OMIM); PubMed 35151535 (cited by OMIM).

NM_016327.3(UPB1):c.254C>A (p.Ala85Glu)

Gene: UPB1 (beta-ureidopropionase 1; plus strand). Cytogenetic location: 22q11.23.
Variant type: single nucleotide variant.
Coding change: c.254C>A on transcript NM_016327.3 (MANE Select); coding-DNA position 254, C replaced by A.
Protein change: p.Ala85Glu; replaces alanine 85 with glutamic acid.
Molecular consequence: missense variant.
Genome position (GRCh38, 1-based): chr22:24,500,256, C>A. VCF-style: chr22-24500256-C-A. GRCh37 (hg19) VCF-style: chr22-24896224-C-A.
Other names: short protein forms A85E.
Identifiers: ClinVar variation 4149 (VCV000004149.41), dbSNP rs34035085, ClinGen allele CA116654.